The following is an entry in ClinVar:

NM_001733.7(C1R):c.3-10G>A

Gene: C1R (complement C1r; minus strand). Cytogenetic location: 12p13.31.
Variant type: single nucleotide variant.
Coding change: c.3-10G>A on transcript NM_001733.7 (MANE Select); 10 bases into the intron before coding-DNA position 3, G replaced by A.
Molecular consequence: intron variant.
Genome position (GRCh38, 1-based): chr12:7,091,690, C>T on the plus strand (G>A on the coding strand, the complement: C1R is on the minus strand). VCF-style: chr12-7091690-C-T. GRCh37 (hg19) VCF-style: chr12-7244286-C-T.
Other names: c.45-10G>A (NM_001354346.2).
Identifiers: ClinVar variation 3049978 (VCV003049978.4), dbSNP rs377326804, ClinGen allele CA6424340.

ClinVar aggregate classification (germline): Benign/Likely benign. Review status: criteria provided, multiple submitters, no conflicts (2 of 4 stars). 3 submissions from 3 submitters: Benign (1); Likely benign (1). 1 of the submissions does not count toward it. Last evaluated 2025-02-10.

Conditions:
C1R-related disorder. Also called: C1R-related condition.

Allele frequency attached by ClinVar (database versions not stated): TOPMed 0.00075; ESP Exome Variant Server 0.00082; gnomAD 0.00088; gnomAD exomes 0.00111; ExAC 0.00115.
gnomAD v4.1: 766 of 726,562 alleles (0.11%); highest among the groups gnomAD compares: Non-Finnish European, 0.16%; 1 homozygote.

Submissions (3):

Women's Health and Genetics/Laboratory Corporation of America, LabCorp
Classification: Benign. Last evaluated: 2025-02-10. Review status: criteria provided, single submitter. Criteria: LabCorp Variant Classification Summary - May 2015. Collection method: clinical testing. Allele origin: germline.

Blueprint Genetics
Classification: Likely benign. Last evaluated: 2024-11-18. Review status: criteria provided, single submitter. Criteria: ACMG Guidelines, 2015. Collection method: clinical testing. Allele origin: germline.

PreventionGenetics, part of Exact Sciences
Classification: Likely benign for C1R-related condition. Last evaluated: 2020-10-06. Review status: no assertion criteria provided. Collection method: clinical testing. Allele origin: germline. Not counted in ClinVar's aggregate classification.
Comment: This variant is classified as likely benign based on ACMG/AMP sequence variant interpretation guidelines (Richards et al. 2015 PMID: 25741868, with internal and published modifications).